The following is an entry in ClinVar:

ClinVar aggregate classification (germline): Benign/Likely benign. Review status: criteria provided, multiple submitters, no conflicts (2 of 4 stars). 9 submissions from 9 submitters: Benign (5); Likely benign (4). Last evaluated 2026-02-01.

Conditions:
Inborn genetic diseases. Identifiers: MedGen C0950123, MeSH D030342.
Nicolaides-Baraitser syndrome (NCBRS). Also called: SMARCA2-Related Nicolaides-Baraitser Syndrome; Intellectual disability-sparse hair-brachydactyly syndrome. Identifiers: Orphanet 3051, MedGen C1303073, MONDO:0011053, OMIM 601358.

Allele frequency attached by ClinVar (database versions not stated): gnomAD exomes 0.00034 and 0.00091; ExAC 0.00121; gnomAD 0.00389 and 0.00409; 1000 Genomes Project 0.00419; TOPMed 0.00426; ESP Exome Variant Server 0.00431; 1000 Genomes Project 30x 0.00468.
gnomAD v4.1: 1,108 of 1,614,084 alleles (0.069%); highest among the groups gnomAD compares: African/African-American, 1.3%; 7 homozygotes.

Submissions (9):

CeGaT Center for Human Genetics Tuebingen
Classification: Likely benign. Last evaluated: 2026-02-01. Review status: criteria provided, single submitter. Criteria: CeGaT Center For Human Genetics Tuebingen Variant Classification Criteria Version 2. Collection method: clinical testing. Allele origin: germline. Affected: yes. Observed: 2 variant alleles.
Comment: SMARCA2: BP4, BP7, BS1

Labcorp Genetics (formerly Invitae), Labcorp
Classification: Benign. Last evaluated: 2026-02-01. Review status: criteria provided, single submitter. Criteria: Invitae Variant Classification Sherloc (09022015). Collection method: clinical testing. Allele origin: germline.

ARUP Laboratories, Molecular Genetics and Genomics, ARUP Laboratories
Classification: Benign. Last evaluated: 2025-04-30. Review status: criteria provided, single submitter. Criteria: ARUP Molecular Germline Variant Investigation Process 2024. Collection method: clinical testing. Allele origin: germline.

Blueprint Genetics
Classification: Likely benign. Last evaluated: 2024-09-18. Review status: criteria provided, single submitter. Criteria: ACMG Guidelines, 2015. Collection method: clinical testing. Allele origin: germline.

Mayo Clinic Laboratories, Mayo Clinic
Classification: Benign. Last evaluated: 2023-04-28. Review status: criteria provided, single submitter. Criteria: ACMG Guidelines, 2015. Collection method: clinical testing. Allele origin: germline. Observed: 3 variant alleles.
Comment: BS1, BS2, BP4, BP7

GeneDx
Classification: Likely benign. Last evaluated: 2022-02-10. Review status: criteria provided, single submitter. Criteria: GeneDx Variant Classification Process June 2021. Collection method: clinical testing. Allele origin: germline. Affected: yes.

Illumina Laboratory Services, Illumina
Classification: Benign for Nicolaides-Baraitser syndrome. Last evaluated: 2018-01-13. Review status: criteria provided, single submitter. Criteria: ICSL Variant Classification Criteria 13 December 2019. Collection method: clinical testing. Allele origin: germline.
Comment: This variant was observed in the ICSL laboratory as part of a predisposition screen in an ostensibly healthy population. It had not been previously curated by ICSL or reported in the Human Gene Mutation Database (HGMD: prior to June 1st, 2018), and was therefore a candidate for classification through an automated scoring system. Utilizing variant allele frequency, disease prevalence and penetrance estimates, and inheritance mode, an automated score was calculated to assess if this variant is too frequent to cause the disease. Based on the score and internal cut-off values, a variant classified as benign is not then subjected to further curation. The score for this variant resulted in a classification of benign for this disease.

Ambry Genetics
Classification: Benign for Inborn genetic diseases. Last evaluated: 2016-10-19. Review status: criteria provided, single submitter. Criteria: Ambry Variant Classification Scheme 2023. Collection method: clinical testing. Allele origin: germline.

Breakthrough Genomics
Classification: Likely benign. Review status: criteria provided, single submitter. Criteria: ACMG Guidelines, 2015. Collection method: not provided. Allele origin: germline. Inheritance: Autosomal dominant inheritance. Affected: yes.

NM_003070.5(SMARCA2):c.2733A>G (p.Gln911=)

Gene: SMARCA2 (SWI/SNF related BAF chromatin remodeling complex subunit ATPase 2; plus strand). Cytogenetic location: 9p24.3.
Variant type: single nucleotide variant.
Coding change: c.2733A>G on transcript NM_003070.5 (MANE Select); coding-DNA position 2733, A replaced by G.
Protein change: p.Gln911=; no amino-acid change (glutamine 911 retained).
Molecular consequence: synonymous variant. On other transcripts: intron variant (1).
Genome position (GRCh38, 1-based): chr9:2,087,035, A>G. VCF-style: chr9-2087035-A-G. GRCh37 (hg19) VCF-style: chr9-2087035-A-G.
Other names: p.Gln911=; c.2733A>G, p.Gln911= (NM_001289396.2, NM_139045.4); c.2595+138A>G (NM_001289397.2).
Identifiers: ClinVar variation 588361 (VCV000588361.47), dbSNP rs146829604, ClinGen allele CA4963545.
Genomic context (GRCh38, chr9:2,087,035, plus strand): 5'-CTGGGCCCTCCTCAACTTCCTCCTCCCAACAATTTTTAAGAGCTGCAGCACATTTGAACA[A>G]TGGTTCAATGCTCCATTTGCCATGACTGGTGAAAGGGTACTGGTCTGAGTTCTGTTTTTT-3'
Protein context (NP_003061.3, residues 901-921): TIFKSCSTFE[Gln911=]WFNAPFAMTG